The following is an entry in ClinVar:

NM_019098.5(CNGB3):c.2130G>A (p.Glu710=)

Gene: CNGB3 (cyclic nucleotide gated channel subunit beta 3; minus strand). Cytogenetic location: 8q21.3.
Variant type: single nucleotide variant.
Coding change: c.2130G>A on transcript NM_019098.5 (MANE Select); coding-DNA position 2130, G replaced by A.
Protein change: p.Glu710=; no amino-acid change (glutamic acid 710 retained).
Molecular consequence: synonymous variant.
Genome position (GRCh38, 1-based): chr8:86,576,104, C>T on the plus strand (G>A on the coding strand, the complement: CNGB3 is on the minus strand). VCF-style: chr8-86576104-C-T. GRCh37 (hg19) VCF-style: chr8-87588332-C-T.
Identifiers: ClinVar variation 786122 (VCV000786122.14), dbSNP rs149271453, ClinGen allele CA4799785.
Genomic context (GRCh38, chr8:86,576,104, plus strand): 5'-ATTTTCTTTTTGTTTATCTTCATTTTCTTTTTGTTTATCTTCATTTTCTTTTCCTTCTTC[C>T]TCTCCTCCTTCAGAATTTTCTTTCTTCTGGAAGGAGCAATTACAAAGAACTGGTGTTGAA-3'
Protein context (NP_061971.3, residues 700-720): AQKKENSEGG[Glu710=]EEGKENEDKQ

ClinVar aggregate classification (germline): Likely benign. Review status: criteria provided, multiple submitters, no conflicts (2 of 4 stars). 4 submissions from 4 submitters: Likely benign (3). 1 of the submissions does not count toward it. Last evaluated 2026-01-20.

Conditions:
CNGB3-related disorder. Also called: CNGB3-related condition; CNGB3-related disorders. Identifiers: MedGen CN239340.
Achromatopsia. Also called: Rod monochromatism. Identifiers: Orphanet 49382, MedGen C0152200, MONDO:0018852, HP:0011516.

Allele frequency attached by ClinVar (database versions not stated): gnomAD exomes 0.00004 and 0.00007; ExAC 0.00007; TOPMed 0.00037; gnomAD 0.00039 and 0.00043; ESP Exome Variant Server 0.00046.
gnomAD v4.1: 116 of 1,602,560 alleles (0.0072%); highest among the groups gnomAD compares: African/African-American, 0.14%; no homozygotes.

Submissions (4):

Labcorp Genetics (formerly Invitae), Labcorp
Classification: Likely benign. Last evaluated: 2026-01-20. Review status: criteria provided, single submitter. Criteria: Invitae Variant Classification Sherloc (09022015). Collection method: clinical testing. Allele origin: germline.

PreventionGenetics, part of Exact Sciences
Classification: Likely benign for CNGB3-related condition. Last evaluated: 2025-03-04. Review status: criteria provided, single submitter. Criteria: ACMG Guidelines, 2015. Collection method: clinical testing. Allele origin: germline.
Comment: This variant is classified as likely benign based on ACMG/AMP sequence variant interpretation guidelines (Richards et al. 2015 PMID: 25741868, with internal and published modifications).

Blueprint Genetics
Classification: Likely benign. Last evaluated: 2024-01-23. Review status: criteria provided, single submitter. Criteria: ACMG Guidelines, 2015. Collection method: clinical testing. Allele origin: germline.

Natera, Inc.
Classification: Likely benign for Achromatopsia. Last evaluated: 2020-04-14. Review status: no assertion criteria provided. Collection method: clinical testing. Allele origin: germline. Not counted in ClinVar's aggregate classification.